The following is an entry in ClinVar:

ClinVar aggregate classification (germline): Likely pathogenic (3 of 4 stars; one submission).

Conditions:
RPGR-related retinopathy. Also called: RPGR retinopathy. Identifiers: MedGen CN305589, MONDO:0100437.

Submission:

ClinGen X-linked Inherited Retinal Disease Variant Curation Expert Panel, ClinGen
Classification: Likely pathogenic for RPGR-related retinopathy. Last evaluated: 2025-09-07. Review status: reviewed by expert panel. Criteria: ClinGen X LinkedIRD ACMG Specifications RPGR V1.0.0. Collection method: curation. Allele origin: germline. Inheritance: X-linked inheritance.
Comment: NM_001034853.2(RPGR):c.824G>T (p.Gly275Val) is a missense variant causing substitution of glycine by valine at amino acid 275. Another missense variant in the same codon, NM_001034853.2:c.823G>A (p.Gly275Ser) (PMIDs: 17480003, 31456290, 17724181, 16969763, and 8817343), has been classified as pathogenic for RPGR-related retinopathy by the ClinGen X-linked IRD VCEP, while no benign missense variants have been identified in this codon. The present variant has a higher Grantham’s distance (109) than the comparison variant (56), and SpliceAI has been used to confirm that neither variant has a predicted impact on RPGR splicing (PM5_Supporting). This variant is absent from gnomAD v4.1.0 (PM2_Supporting). This variant has been identified as a de novo occurrence with unconfirmed parental relationships in 1 individual with a phenotype consistent with RPGR-related retinopathy (0.25 pts, PMID: 22888088), which does not score sufficient de novo points to meet PM6_Supporting. PS4_Supporting requires at least 2 unrelated probands, so this criterion was not met. The computational predictor REVEL gives a score of 0.979, which is above the ClinGen X-linked IRD VCEP threshold of ≥0.932 and predicts a damaging effect on RPGR function (PP3_Strong). In summary, this variant is classified as likely pathogenic for RPGR-related retinopathy based on the ClinGen X-linked Inherited Retinal Disease Expert Panel Specifications to the ACMG/AMP Variant Interpretation Guidelines for RPGR Version 1.0.0; PM2_Supporting, PM5, and PP3_Strong.

NM_001034853.2(RPGR):c.824G>T (p.Gly275Val)

Gene: RPGR (retinitis pigmentosa GTPase regulator; minus strand). Cytogenetic location: Xp11.4.
Variant type: single nucleotide variant.
Coding change: c.824G>T on transcript NM_001034853.2 (MANE Select); coding-DNA position 824, G replaced by T.
Protein change: p.Gly275Val; replaces glycine 275 with valine.
Molecular consequence: missense variant. On other transcripts: non-coding transcript variant (5).
Genome position (GRCh38, 1-based): chrX:38,304,745, C>A on the plus strand (G>T on the coding strand, the complement: RPGR is on the minus strand). VCF-style: chrX-38304745-C-A. GRCh37 (hg19) VCF-style: chrX-38163998-C-A.
Other names: NM_001034853.2:c.824G>T; c.824G>T, p.Gly275Val (NM_000328.3, NM_001367246.1, NM_001367247.1 and 1 more transcripts); c.821G>T, p.Gly274Val (NM_001367245.1, NM_001367249.1, NM_001367250.1); c.854G>T, p.Gly285Val (NM_001367248.1); short protein forms G274V, G275V, G285V.
Identifiers: ClinVar variation 4082167 (VCV004082167.1).